The following is an entry in ClinVar:

ClinVar aggregate classification (germline): Conflicting classifications of pathogenicity. Review status: criteria provided, conflicting classifications (1 of 4 stars). 3 submissions from 3 submitters: Uncertain significance (1); Likely benign (2). Last evaluated 2026-07-01.

Allele frequency attached by ClinVar (database versions not stated): gnomAD 0.00001; gnomAD exomes 0.00003 and 0.00004; TOPMed 0.00003; ExAC 0.00007; ESP Exome Variant Server 0.00008.
gnomAD v4.1: 49 of 1,613,958 alleles (0.003%); highest among the groups gnomAD compares: Middle Eastern, 0.049%; no homozygotes.

Submissions (3):

CeGaT Center for Human Genetics Tuebingen
Classification: Uncertain significance. Last evaluated: 2026-07-01. Review status: criteria provided, single submitter. Criteria: CeGaT Center For Human Genetics Tuebingen Variant Classification Criteria Version 2. Collection method: clinical testing. Allele origin: germline. Affected: yes. Observed: 1 variant allele.
Comment: ARHGEF1: PM2

Labcorp Genetics (formerly Invitae), Labcorp
Classification: Likely benign. Last evaluated: 2025-08-25. Review status: criteria provided, single submitter. Criteria: Invitae Variant Classification Sherloc (09022015). Collection method: clinical testing. Allele origin: germline.

Breakthrough Genomics
Classification: Likely benign. Review status: criteria provided, single submitter. Criteria: ACMG Guidelines, 2015. Collection method: not provided. Allele origin: germline. Inheritance: Autosomal recessive inheritance. Affected: yes.

NM_004706.4(ARHGEF1):c.1498-5T>C

Gene: ARHGEF1 (Rho guanine nucleotide exchange factor 1; plus strand). Cytogenetic location: 19q13.2.
Variant type: single nucleotide variant.
Coding change: c.1498-5T>C on transcript NM_004706.4 (MANE Select); 5 bases into the intron before coding-DNA position 1498, T replaced by C.
Molecular consequence: intron variant.
Genome position (GRCh38, 1-based): chr19:41,902,528, T>C. VCF-style: chr19-41902528-T-C. GRCh37 (hg19) VCF-style: chr19-42406678-T-C.
Other names: c.1399-5T>C (NM_198977.2); c.1543-5T>C (NM_199002.2).
Identifiers: ClinVar variation 1596744 (VCV001596744.10), dbSNP rs201196154, ClinGen allele CA9466403.